The following is an entry in ClinVar:

NM_001394062.1(MACF1):c.20739T>C (p.His6913=)

Gene: MACF1 (microtubule actin crosslinking factor 1; plus strand). Cytogenetic location: 1p34.3.
Variant type: single nucleotide variant.
Coding change: c.20739T>C on transcript NM_001394062.1 (MANE Select); coding-DNA position 20739, T replaced by C.
Protein change: p.His6913=; no amino-acid change (histidine 6913 retained).
Molecular consequence: synonymous variant.
Genome position (GRCh38, 1-based): chr1:39,452,809, T>C. VCF-style: chr1-39452809-T-C. GRCh37 (hg19) VCF-style: chr1-39918481-T-C.
Other names: c.8817T>C, p.His2939= (NM_001397473.1); c.14562T>C, p.His4854= (NM_012090.5).
Identifiers: ClinVar variation 2912857 (VCV002912857.5), dbSNP rs372863764, ClinGen allele CA784435.

ClinVar aggregate classification (germline): Likely benign. Review status: criteria provided, multiple submitters, no conflicts (2 of 4 stars). 3 submissions from 3 submitters: Likely benign (2). 1 of the submissions does not count toward it. Last evaluated 2024-11-05.

Conditions:
MACF1-related disorder. Also called: MACF1-related condition.

Allele frequency attached by ClinVar (database versions not stated): gnomAD 0.00002; TOPMed 0.00002; gnomAD exomes 0.00005; ExAC 0.00007; ESP Exome Variant Server 0.00008.
gnomAD v4.1: 74 of 1,613,658 alleles (0.0046%); highest among the groups gnomAD compares: Non-Finnish European, 0.0059%; no homozygotes.

Submissions (3):

Blueprint Genetics
Classification: Likely benign. Last evaluated: 2024-11-05. Review status: criteria provided, single submitter. Criteria: ACMG Guidelines, 2015. Collection method: clinical testing. Allele origin: germline.

Labcorp Genetics (formerly Invitae), Labcorp
Classification: Likely benign. Last evaluated: 2024-01-19. Review status: criteria provided, single submitter. Criteria: Invitae Variant Classification Sherloc (09022015). Collection method: clinical testing. Allele origin: germline.

PreventionGenetics, part of Exact Sciences
Classification: Likely benign for MACF1-related condition. Last evaluated: 2024-06-27. Review status: no assertion criteria provided. Collection method: clinical testing. Allele origin: germline. Not counted in ClinVar's aggregate classification.
Comment: This variant is classified as likely benign based on ACMG/AMP sequence variant interpretation guidelines (Richards et al. 2015 PMID: 25741868, with internal and published modifications).